The following is an entry in ClinVar:

NM_015466.4(PTPN23):c.1580G>A (p.Arg527His)

Gene: PTPN23 (protein tyrosine phosphatase non-receptor type 23; plus strand). Cytogenetic location: 3p21.31.
Variant type: single nucleotide variant.
Coding change: c.1580G>A on transcript NM_015466.4 (MANE Select); coding-DNA position 1580, G replaced by A.
Protein change: p.Arg527His; replaces arginine 527 with histidine.
Molecular consequence: missense variant.
Genome position (GRCh38, 1-based): chr3:47,409,025, G>A. VCF-style: chr3-47409025-G-A. GRCh37 (hg19) VCF-style: chr3-47450515-G-A.
Other names: c.1202G>A, p.Arg401His (NM_001304482.2); short protein forms R527H, R401H.
Identifiers: ClinVar variation 2075768 (VCV002075768.5), dbSNP rs200808850, ClinGen allele CA2365762.

ClinVar aggregate classification (germline): Uncertain significance. Review status: criteria provided, multiple submitters, no conflicts (2 of 4 stars). 4 submissions from 4 submitters: Uncertain significance (4). Last evaluated 2026-04-23.

Conditions:
Inborn genetic diseases. Identifiers: MedGen C0950123, MeSH D030342.

Allele frequency attached by ClinVar (database versions not stated): ESP Exome Variant Server 0.00015; ExAC 0.00016; gnomAD 0.00025; TOPMed 0.00026; gnomAD exomes 0.00037.
gnomAD v4.1: 571 of 1,613,896 alleles (0.035%); highest among the groups gnomAD compares: Non-Finnish European, 0.046%; no homozygotes.

Submissions (4):

Ambry Genetics
Classification: Uncertain significance for Inborn genetic diseases. Last evaluated: 2026-04-23. Review status: criteria provided, single submitter. Criteria: Ambry Variant Classification Scheme 2023. Collection method: clinical testing. Allele origin: germline.
Comment: The c.1580G>A (p.R527H) alteration is located in exon 16 (coding exon 16) of the PTPN23 gene. This alteration results from a G to A substitution at nucleotide position 1580, causing the arginine (R) at amino acid position 527 to be replaced by a histidine (H). Based on data from gnomAD, the A allele has an overall frequency of 0.018% (51/282264) total alleles studied. The highest observed frequency was 0.037% (48/128744) of European (non-Finnish) alleles. Based on insufficient or conflicting evidence, the clinical significance of this alteration remains unclear.

GeneDx
Classification: Uncertain significance. Last evaluated: 2025-02-19. Review status: criteria provided, single submitter. Criteria: GeneDx Variant Classification Process June 2021. Collection method: clinical testing. Allele origin: germline. Affected: yes.
Comment: In silico analysis supports that this missense variant has a deleterious effect on protein structure/function; Has not been previously published as pathogenic or benign to our knowledge

Blueprint Genetics
Classification: Uncertain significance. Last evaluated: 2024-04-08. Review status: criteria provided, single submitter. Criteria: ACMG Guidelines, 2015. Collection method: clinical testing. Allele origin: germline.

Labcorp Genetics (formerly Invitae), Labcorp
Classification: Uncertain significance. Last evaluated: 2022-08-12. Review status: criteria provided, single submitter. Criteria: Invitae Variant Classification Sherloc (09022015). Collection method: clinical testing. Allele origin: germline.
Comment: This sequence change replaces arginine, which is basic and polar, with histidine, which is basic and polar, at codon 527 of the PTPN23 protein (p.Arg527His). This variant is present in population databases (rs200808850, gnomAD 0.04%). This variant has not been reported in the literature in individuals affected with PTPN23-related conditions. Algorithms developed to predict the effect of missense changes on protein structure and function are either unavailable or do not agree on the potential impact of this missense change (SIFT: "Deleterious"; PolyPhen-2: "Not Available"; Align-GVGD: "Class C0"). In summary, the available evidence is currently insufficient to determine the role of this variant in disease. Therefore, it has been classified as a Variant of Uncertain Significance.